The following is an entry in ClinVar:

ClinVar aggregate classification (germline): Uncertain significance (1 of 4 stars; one submission).

Submission:

Labcorp Genetics (formerly Invitae), Labcorp
Classification: Uncertain significance. Last evaluated: 2024-12-12. Review status: criteria provided, single submitter. Criteria: Invitae Variant Classification Sherloc (09022015). Collection method: clinical testing. Allele origin: germline.
Comment: This sequence change replaces arginine, which is basic and polar, with cysteine, which is neutral and slightly polar, at codon 32 of the FGF3 protein (p.Arg32Cys). This variant is not present in population databases (gnomAD no frequency). This variant has not been reported in the literature in individuals affected with FGF3-related conditions. Experimental studies and prediction algorithms are not available or were not evaluated, and the functional significance of this variant is currently unknown. In summary, the available evidence is currently insufficient to determine the role of this variant in disease. Therefore, it has been classified as a Variant of Uncertain Significance.

NM_005247.4(FGF3):c.94C>T (p.Arg32Cys)

Genes: FGF3 (fibroblast growth factor 3; minus strand), LOC109115964 (FGF3 5' regulatory region; plus strand). Cytogenetic location: 11q13.3.
Variant type: single nucleotide variant.
Coding change: c.94C>T on transcript NM_005247.4 (MANE Select); coding-DNA position 94, C replaced by T.
Protein change: p.Arg32Cys; replaces arginine 32 with cysteine.
Molecular consequence: missense variant.
Genome position (GRCh38, 1-based): chr11:69,818,840, G>A on the plus strand (C>T on the coding strand, the complement: FGF3 is on the minus strand). VCF-style: chr11-69818840-G-A. GRCh37 (hg19) VCF-style: chr11-69633608-G-A.
Other names: short protein forms R32C.
Identifiers: ClinVar variation 3694113 (VCV003694113.2).
Genomic context (GRCh38, chr11:69,818,840, plus strand): 5'-TGGCGCAGTAGAGCTTGCGGCGCCGGGGCGCCCCGCCAAGGTGCTCGTAGACGCCGCCAC[G>A]GCCGCCCGCATCGCGCCGCAACCGCGCCCCAGGGCCCGCTGCGGGCCAGCCGGGCTCCAG-3'
Protein context (NP_005238.1, residues 22-42): GARLRRDAGG[Arg32Cys]GGVYEHLGGA